The following is an entry in ClinVar:

NM_006662.3(SRCAP):c.2331C>A (p.Pro777=)

Gene: SRCAP (Snf2 related CREBBP activator protein; plus strand). Cytogenetic location: 16p11.2.
Variant type: single nucleotide variant.
Coding change: c.2331C>A on transcript NM_006662.3 (MANE Select); coding-DNA position 2331, C replaced by A.
Protein change: p.Pro777=; no amino-acid change (proline 777 retained).
Molecular consequence: synonymous variant.
Genome position (GRCh38, 1-based): chr16:30,713,549, C>A. VCF-style: chr16-30713549-C-A. GRCh37 (hg19) VCF-style: chr16-30724870-C-A.
Identifiers: ClinVar variation 4872925 (VCV004872925.2).

ClinVar aggregate classification (germline): Likely benign (1 of 4 stars; one submission).

gnomAD v4.1: 6 of 1,614,188 alleles (0.00037%); highest among the groups gnomAD compares: East Asian, 0.011%; no homozygotes.

Submission:

CeGaT Center for Human Genetics Tuebingen
Classification: Likely benign. Last evaluated: 2026-05-01. Review status: criteria provided, single submitter. Criteria: CeGaT Center For Human Genetics Tuebingen Variant Classification Criteria Version 2. Collection method: clinical testing. Allele origin: germline. Affected: yes. Observed: 1 variant allele.
Comment: SRCAP: BP4, BP7